The following is an entry in ClinVar:

NM_000090.4(COL3A1):c.3326G>A (p.Arg1109Gln)

Gene: COL3A1 (collagen type III alpha 1 chain; plus strand). Cytogenetic location: 2q32.2.
Variant type: single nucleotide variant.
Coding change: c.3326G>A on transcript NM_000090.4 (MANE Select); coding-DNA position 3326, G replaced by A.
Protein change: p.Arg1109Gln; replaces arginine 1109 with glutamine.
Molecular consequence: missense variant.
Genome position (GRCh38, 1-based): chr2:189,007,570, G>A. VCF-style: chr2-189007570-G-A. GRCh37 (hg19) VCF-style: chr2-189872296-G-A.
Other names: short protein forms R1109Q.
Identifiers: ClinVar variation 180296 (VCV000180296.48), dbSNP rs730880062, ClinGen allele CA006320.
Genomic context (GRCh38, chr2:189,007,570, plus strand): 5'-GCCCACGTGGTGACAAAGGTGAAACAGGTGAACGTGGAGCTGCTGGCATCAAAGGACATC[G>A]AGGATTCCCTGGTAATCCAGGTGCCCCAGGTTCTCCAGTAAGTGCATTCATTTTGTTGGA-3'
Protein context (NP_000081.2, residues 1099-1119): ERGAAGIKGH[Arg1109Gln]GFPGNPGAPG

ClinVar aggregate classification (germline): Uncertain significance. Review status: criteria provided, multiple submitters, no conflicts (2 of 4 stars). 9 submissions from 9 submitters: Uncertain significance (9). Last evaluated 2026-06-01.

Conditions:
Polymicrogyria with or without vascular-type Ehlers-Danlos syndrome. Identifiers: Orphanet 636941, MedGen C5193040, MONDO:0032688, OMIM 618343.
Ehlers-Danlos syndrome, type 4 (EDSVASC). Also called: Ehlers-Danlos syndrome vascular type; Ehlers Danlos syndrome, ecchymotic type; Ehlers Danlos syndrome, arterial type; Ehlers Danlos syndrome, Sack-Barabas type; Ehlers-Danlos Syndrome Type IV. Identifiers: Orphanet 286, MedGen C0268338, MONDO:0017314, OMIM 130050.
COL3A1-related disorder. Also called: COL3A1-related condition.
Familial thoracic aortic aneurysm and aortic dissection (TAAD). Also called: Thoracic aortic aneurysms and dissections. Identifiers: Orphanet 91387, MedGen C4707243, MONDO:0019625.

Allele frequency attached by ClinVar (database versions not stated): gnomAD exomes 0.00002; TOPMed 0.00002; ExAC 0.00004; gnomAD 0.00004; 1000 Genomes Project 30x 0.00016.
gnomAD v4.1: 24 of 1,613,592 alleles (0.0015%); highest among the groups gnomAD compares: South Asian, 0.0022%; no homozygotes.

Submissions (9):

Women's Health and Genetics/Laboratory Corporation of America, LabCorp
Classification: Uncertain significance. Last evaluated: 2026-06-01. Review status: criteria provided, single submitter. Criteria: LabCorp Variant Classification Summary - May 2015. Collection method: clinical testing. Allele origin: germline.
Comment: Variant summary: COL3A1 c.3326G>A (p.Arg1109Gln) results in a conservative amino acid change in the encoded protein sequence. Algorithms developed to predict the effect of missense changes on protein structure and function are either unavailable or do not agree on the potential impact of this missense change. The variant allele was found at a frequency of 1.6e-05 in 250322 control chromosomes. The available data on variant occurrences in the general population are insufficient to allow any conclusion about variant significance. To our knowledge, no occurrence of c.3326G>A in individuals affected with COL3A1-related conditions and no experimental evidence demonstrating its impact on protein function have been reported. ClinVar contains an entry for this variant (Variation ID: 180296). Based on the evidence outlined above, the variant was classified as uncertain significance.

CeGaT Center for Human Genetics Tuebingen
Classification: Uncertain significance. Last evaluated: 2025-02-01. Review status: criteria provided, single submitter. Criteria: CeGaT Center For Human Genetics Tuebingen Variant Classification Criteria Version 2. Collection method: clinical testing. Allele origin: germline. Affected: yes. Observed: 1 variant allele.
Comment: COL3A1: PM2

PreventionGenetics, part of Exact Sciences
Classification: Uncertain significance for COL3A1-related condition. Last evaluated: 2024-11-15. Review status: criteria provided, single submitter. Criteria: ACMG Guidelines, 2015. Collection method: clinical testing. Allele origin: germline.
Comment: The COL3A1 c.3326G>A variant is predicted to result in the amino acid substitution p.Arg1109Gln. To our knowledge, this variant has not been reported in the literature. This variant is reported in 0.0047% of alleles in individuals of European (Non-Finnish) descent in gnomAD. At this time, the clinical significance of this variant is uncertain due to the absence of conclusive functional and genetic evidence.

All of Us Research Program, National Institutes of Health
Classification: Uncertain significance for Ehlers-Danlos syndrome, type 4. Last evaluated: 2024-08-13. Review status: criteria provided, single submitter. Criteria: ACMG Guidelines, 2015. Collection method: clinical testing. Allele origin: germline. Inheritance: Autosomal dominant inheritance. Observed: 2 variant alleles, 2 heterozygotes.
Comment: This missense variant replaces arginine with glutamine at codon 1109 of the COL3A1 protein. Computational prediction is inconclusive regarding the impact of this variant on protein structure and function (internally defined REVEL score threshold 0.5 < inconclusive < 0.7, PMID: 27666373). To our knowledge, functional studies have not been reported for this variant. This variant has not been reported in individuals affected with COL3A1-related disorders in the literature. This variant has been identified in 7/281684 chromosomes in the general population by the Genome Aggregation Database (gnomAD). The available evidence is insufficient to determine the role of this variant in disease conclusively. Therefore, this variant is classified as a Variant of Uncertain Significance.

This study involves interpretation of variants in research participants for the purpose of population health screening. Participant phenotype was not available at the time of variant classification. Additional details can be found in publication PMID: 35346344, PMCID: PMC8962531

GeneDx
Classification: Uncertain significance. Last evaluated: 2024-08-01. Review status: criteria provided, single submitter. Criteria: GeneDx Variant Classification Process June 2021. Collection method: clinical testing. Allele origin: germline. Affected: yes.
Comment: Has not been previously published as pathogenic or benign to our knowledge; In silico analysis supports that this missense variant has a deleterious effect on protein structure/function; Occurs in the triple helical domain at the Y position in the canonical Gly-X-Y repeat; although this variant may have an effect on normal protein folding and function, missense substitution at the Y position is not a common mechanism of disease (HGMD)

Labcorp Genetics (formerly Invitae), Labcorp
Classification: Uncertain significance for Ehlers-Danlos syndrome, type 4. Last evaluated: 2024-07-25. Review status: criteria provided, single submitter. Criteria: Invitae Variant Classification Sherloc (09022015). Collection method: clinical testing. Allele origin: germline.
Comment: This sequence change replaces arginine, which is basic and polar, with glutamine, which is neutral and polar, at codon 1109 of the COL3A1 protein (p.Arg1109Gln). This variant is present in population databases (rs730880062, gnomAD 0.004%). This variant has not been reported in the literature in individuals affected with COL3A1-related conditions. ClinVar contains an entry for this variant (Variation ID: 180296). Advanced modeling of protein sequence and biophysical properties (such as structural, functional, and spatial information, amino acid conservation, physicochemical variation, residue mobility, and thermodynamic stability) performed at Invitae indicates that this missense variant is not expected to disrupt COL3A1 protein function with a negative predictive value of 95%. In summary, the available evidence is currently insufficient to determine the role of this variant in disease. Therefore, it has been classified as a Variant of Uncertain Significance.

Color Diagnostics, LLC DBA Color Health
Classification: Uncertain significance for Familial thoracic aortic aneurysm and aortic dissection. Last evaluated: 2024-03-06. Review status: criteria provided, single submitter. Criteria: ACMG Guidelines, 2015. Collection method: clinical testing. Allele origin: germline.
Comment: This missense variant replaces arginine with glutamine at codon 1109 of the COL3A1 protein. Computational prediction is inconclusive regarding the impact of this variant on protein structure and function (internally defined REVEL score threshold 0.5 < inconclusive < 0.7, PMID: 27666373). To our knowledge, functional studies have not been reported for this variant. This variant has not been reported in individuals affected with COL3A1-related disorders in the literature. This variant has been identified in 7/281684 chromosomes in the general population by the Genome Aggregation Database (gnomAD). The available evidence is insufficient to determine the role of this variant in disease conclusively. Therefore, this variant is classified as a Variant of Uncertain Significance.

Fulgent Genetics
Classification: Uncertain significance for Ehlers-Danlos syndrome, type 4; Polymicrogyria with or without vascular-type Ehlers-Danlos syndrome. Last evaluated: 2022-02-26. Review status: criteria provided, single submitter. Criteria: ACMG Guidelines, 2015. Collection method: clinical testing. Allele origin: unknown.

Blueprint Genetics
Classification: Uncertain significance. Last evaluated: 2017-06-16. Review status: criteria provided, single submitter. Criteria: ACMG Guidelines, 2015. Collection method: clinical testing. Allele origin: germline.